The following is an entry in ClinVar:

ClinVar aggregate classification (germline): Uncertain significance (1 of 4 stars; one submission).

Conditions:
Kufor-Rakeb syndrome (KRS). Also called: PARKINSON DISEASE 9, AUTOSOMAL RECESSIVE, JUVENILE-ONSET. Identifiers: Orphanet 306674, Orphanet 314632, MedGen C1847640, MONDO:0011706, OMIM 606693.
Autosomal recessive spastic paraplegia type 78. Identifiers: Orphanet 513436, MedGen C5567893, MONDO:0014975, OMIM 617225.

gnomAD v4.1: 1 of 1,612,846 alleles (0.000062%); highest among the groups gnomAD compares: Non-Finnish European, 0.000085%; no homozygotes.

Submission:

Labcorp Genetics (formerly Invitae), Labcorp
Classification: Uncertain significance for Kufor-Rakeb syndrome; Autosomal recessive spastic paraplegia type 78. Last evaluated: 2025-05-07. Review status: criteria provided, single submitter. Criteria: Invitae Variant Classification Sherloc (09022015). Collection method: clinical testing. Allele origin: germline.
Comment: This sequence change replaces valine, which is neutral and non-polar, with methionine, which is neutral and non-polar, at codon 641 of the ATP13A2 protein (p.Val641Met). This variant is not present in population databases (gnomAD no frequency). This missense change has been observed in individual(s) with hereditary spastic paraplegia (internal data). In at least one individual the data is consistent with being in trans (on the opposite chromosome) from a pathogenic variant. It has also been observed to segregate with disease in related individuals. Invitae Evidence Modeling of protein sequence and biophysical properties (such as structural, functional, and spatial information, amino acid conservation, physicochemical variation, residue mobility, and thermodynamic stability) indicates that this missense variant is not expected to disrupt ATP13A2 protein function with a negative predictive value of 80%. In summary, the available evidence is currently insufficient to determine the role of this variant in disease. Therefore, it has been classified as a Variant of Uncertain Significance.

NM_022089.4(ATP13A2):c.1921G>A (p.Val641Met)

Gene: ATP13A2 (ATPase cation transporting 13A2; minus strand). Cytogenetic location: 1p36.13.
Variant type: single nucleotide variant.
Coding change: c.1921G>A on transcript NM_022089.4 (MANE Select); coding-DNA position 1921, G replaced by A.
Protein change: p.Val641Met; replaces valine 641 with methionine.
Molecular consequence: missense variant.
Genome position (GRCh38, 1-based): chr1:16,992,327, C>T on the plus strand (G>A on the coding strand, the complement: ATP13A2 is on the minus strand). VCF-style: chr1-16992327-C-T. GRCh37 (hg19) VCF-style: chr1-17318822-C-T.
Other names: c.1906G>A, p.Val636Met (NM_001141973.3, NM_001141974.3); short protein forms V641M, V636M.
Identifiers: ClinVar variation 4792141 (VCV004792141.1).